The following is an entry in ClinVar:

NM_020198.3(CCDC47):c.567_570del (p.Glu190fs)

Gene: CCDC47 (coiled-coil domain containing 47; minus strand). Cytogenetic location: 17q23.3.
Variant type: Deletion.
Coding change: c.567_570del on transcript NM_020198.3 (MANE Select); coding-DNA positions 567 to 570, 4 bases deleted (AGAA; older notation c.567_570delAGAA).
Protein change: p.Glu190fs; shifts the reading frame from glutamic acid 190.
Molecular consequence: frameshift variant.
Genome position (GRCh38, 1-based): chr17:63,761,329-63,761,332, TTCT deleted on the plus strand (AGAA on the coding strand, the reverse complement: CCDC47 is on the minus strand); deleting any 4 consecutive bases within chr17:63,761,329-63,761,334 gives the same sequence; the c. name uses the placement nearest the transcript's 3' end. VCF-style (leftmost placement, unchanged base first): chr17-63761328-CTTCT-C. GRCh37 (hg19) VCF-style: chr17-61838688-CTTCT-C.
Other names: short protein forms E190fs.
Identifiers: ClinVar variation 993035 (VCV000993035.1), dbSNP rs765103846, ClinGen allele CA8703875.

ClinVar aggregate classification (germline): Likely pathogenic. Review status: criteria provided, single submitter (1 of 4 stars). 2 submissions from 2 submitters: Likely pathogenic (1). 1 of the submissions does not count toward it.

Conditions:
Trichohepatoneurodevelopmental syndrome (THNS). Identifiers: MedGen C4748898, MONDO:0032645, OMIM 618268.

Submissions (2):

Neuberg Centre For Genomic Medicine, NCGM
Classification: Likely pathogenic for Trichohepatoneurodevelopmental syndrome. Review status: criteria provided, single submitter. Criteria: ACMG Guidelines, 2015. Collection method: clinical testing. Allele origin: germline. Inheritance: Autosomal recessive inheritance. Affected: yes.
Comment: This variant has been reported to the ClinVar database as likely pathogenic. This variant causes a frameshift starting with codon Glutamic Acid 190, changes this amino acid to Proline residue, and creates a premature Stop codon at position 7 of the new reading frame, denoted p.Glu190ProfsTer7. The p.Glu190ProfsTer7 variant is reported with the allele frequency of 0.0007954% in gnomAD and is novel (not in any individuals) in 1000 Genomes. This variant is predicted to cause loss of normal protein function through protein truncation. Loss of function variants have been previously reported to be disease causing. For these reasons, this variant has been classified as Likely pathogenic.

Biochemical Molecular Genetic Laboratory, King Abdulaziz Medical City
Classification: Likely pathogenic for Trichohepatoneurodevelopmental syndrome. Last evaluated: 2020-10-11. Review status: no assertion criteria provided. Collection method: clinical testing. Allele origin: germline. Affected: yes. Not counted in ClinVar's aggregate classification.